The following is an entry in ClinVar:

ClinVar aggregate classification (germline): Uncertain significance. Review status: criteria provided, multiple submitters, no conflicts (2 of 4 stars). 3 submissions from 3 submitters: Uncertain significance (3). Last evaluated 2026-01-13.

Conditions:
Pheochromocytoma. Also called: MAX-Related Hereditary Paraganglioma-Pheochromocytoma Syndrome. Identifiers: Orphanet 29072, MedGen C0031511, MONDO:0008233, OMIM 171300, HP:0002666.
Pheochromocytoma/paraganglioma syndrome 4. Also called: CAROTID BODY TUMORS AND MULTIPLE EXTRAADRENAL PHEOCHROMOCYTOMAS; PARAGANGLIOMA, FAMILIAL MALIGNANT; PARAGANGLIOMAS, HEREDITARY EXTRAADRENAL; PHEOCHROMOCYTOMA, FAMILIAL EXTRAADRENAL; Paragangliomas 4; SDHB-Related Hereditary Paraganglioma-Pheochromocytoma Syndrome (Paragangliomas 4). Identifiers: Orphanet 29072, MedGen C1861848, MONDO:0007273, OMIM 115310.
Gastrointestinal stromal tumor. Also called: Gastrointestinal stroma tumor; Gastrointestinal stromal tumor, somatic. Identifiers: Orphanet 44890, MedGen C0238198, MeSH D046152, MONDO:0011719, OMIM 606764, HP:0100723.
Hereditary cancer-predisposing syndrome. Also called: Tumor predisposition; Hereditary Cancer Syndrome; Hereditary neoplastic syndrome; Neoplastic Syndromes, Hereditary. Identifiers: Orphanet 140162, MedGen C0027672, MeSH D009386, MONDO:0015356.

Allele frequency attached by ClinVar (database versions not stated): gnomAD exomes below 0.00001.
gnomAD v4.1: 6 of 1,611,086 alleles (0.00037%); highest among the groups gnomAD compares: Non-Finnish European, 0.00051%; no homozygotes.

Submissions (3):

Labcorp Genetics (formerly Invitae), Labcorp
Classification: Uncertain significance for Gastrointestinal stromal tumor; Pheochromocytoma/paraganglioma syndrome 4; Pheochromocytoma. Last evaluated: 2026-01-13. Review status: criteria provided, single submitter. Criteria: Invitae Variant Classification Sherloc (09022015). Collection method: clinical testing. Allele origin: germline.
Comment: This sequence change replaces glutamine, which is neutral and polar, with histidine, which is basic and polar, at codon 149 of the SDHB protein (p.Gln149His). This variant is not present in population databases (gnomAD no frequency). This missense change has been observed in individual(s) with head and neck paraganglioma (PMID: 30877234). ClinVar contains an entry for this variant (Variation ID: 1372931). Invitae Evidence Modeling of protein sequence and biophysical properties (such as structural, functional, and spatial information, amino acid conservation, physicochemical variation, residue mobility, and thermodynamic stability) indicates that this missense variant is not expected to disrupt SDHB protein function with a negative predictive value of 80%. In summary, the available evidence is currently insufficient to determine the role of this variant in disease. Therefore, it has been classified as a Variant of Uncertain Significance.

Baylor Genetics
Classification: Uncertain significance for Gastrointestinal stromal tumor. Last evaluated: 2024-01-19. Review status: criteria provided, single submitter. Criteria: ACMG Guidelines, 2015. Collection method: clinical testing. Allele origin: unknown.

Ambry Genetics
Classification: Uncertain significance for Hereditary cancer-predisposing syndrome. Last evaluated: 2024-01-16. Review status: criteria provided, single submitter. Criteria: Ambry Variant Classification Scheme 2023. Collection method: clinical testing. Allele origin: germline.
Comment: The p.Q149H variant (also known as c.447G>T), located in coding exon 5 of the SDHB gene, results from a G to T substitution at nucleotide position 447. The glutamine at codon 149 is replaced by histidine, an amino acid with highly similar properties. This amino acid position is highly conserved in available vertebrate species. In addition, this alteration is predicted to be deleterious by in silico analysis. Since supporting evidence is limited at this time, the clinical significance of this alteration remains unclear.

Literature cited by the submitters: PubMed 30877234 (cited by Labcorp Genetics (formerly Invitae), Labcorp).

NM_003000.3(SDHB):c.447G>T (p.Gln149His)

Gene: SDHB (succinate dehydrogenase complex iron sulfur subunit B; minus strand). Cytogenetic location: 1p36.13.
Variant type: single nucleotide variant.
Coding change: c.447G>T on transcript NM_003000.3 (MANE Select); coding-DNA position 447, G replaced by T.
Protein change: p.Gln149His; replaces glutamine 149 with histidine.
Molecular consequence: missense variant.
Genome position (GRCh38, 1-based): chr1:17,027,842, C>A on the plus strand (G>T on the coding strand, the complement: SDHB is on the minus strand). VCF-style: chr1-17027842-C-A. GRCh37 (hg19) VCF-style: chr1-17354337-C-A.
Other names: short protein forms Q149H.
Identifiers: ClinVar variation 1372931 (VCV001372931.11), dbSNP rs200353146, ClinGen allele CA18665993.
Genomic context (GRCh38, chr1:17,027,842, plus strand): 5'-CTGCTGCTTGCCTTCCTGAGATTCATCCTTCTTCTTCAAATAAGGCTCAATGGATTTGTA[C>A]TGTGCATAGAAGTTGCTCAAATCCTGTGGTTAAGAGGAAGAAGAAGAAGAAGAAGAAGAA-3'
Protein context (NP_002991.2, residues 139-159): LVPDLSNFYA[Gln149His]YKSIEPYLKK